The following is an entry in ClinVar:

ClinVar aggregate classification (germline): Pathogenic/Likely pathogenic. Review status: criteria provided, multiple submitters, no conflicts (2 of 4 stars). 5 submissions from 5 submitters: Pathogenic (2); Likely pathogenic (3). Last evaluated 2025-01-15.

Conditions:
Hypotonia, infantile, with psychomotor retardation and characteristic facies 3 (IHPRF3). Also called: TBCK-Related Neurodevelopmental Disorder. Identifiers: Orphanet 488632, MedGen C5567480, MONDO:0014823, OMIM 616900.

Allele frequency attached by ClinVar (database versions not stated): TOPMed below 0.00001; gnomAD 0.00001; gnomAD exomes 0.00001.
gnomAD v4.1: 16 of 1,499,646 alleles (0.0011%); highest among the groups gnomAD compares: East Asian, 0.005%; no homozygotes.

Submissions (5):

Broad Center for Mendelian Genomics, Broad Institute of MIT and Harvard
Classification: Likely pathogenic for Hypotonia, infantile, with psychomotor retardation and characteristic facies 3. Last evaluated: 2025-01-15. Review status: criteria provided, single submitter. Criteria: ACMG Guidelines, 2015. Collection method: curation. Allele origin: germline. Inheritance: Autosomal recessive inheritance.
Comment: The c.381+1G>A variant in TBCK has not been previously reported in the literature in individuals with TBCK-related intellectual disability syndrome, but has been identified in 0.005% (2/40320) of East Asian chromosomes by the Genome Aggregation Database (gnomAD; dbSNP rs1762560983). Although this variant has been seen in the general population in a heterozygous state, its frequency is low enough to be consistent with a recessive carrier frequency. This variant has also been reported in ClinVar (Variation ID: 1033752) and has been interpreted as pathogenic by Johns Hopkins Genomics and Baylor Genetics, and likely pathogenic by Invitae. This variant is located in the 3' splice region. Computational tools predict a splicing impact, though this information is not predictive enough to determine pathogenicity. Loss of function of the TBCK gene is an established disease mechanism in autosomal recessive TBCK-related intellectual disability syndrome. In summary, although additional studies are required to fully establish its clinical significance, this variant is likely pathogenic for autosomal recessive TBCK-related intellectual disability syndrome. ACMG/AMP Criteria applied: PVS1, PM2_supporting (Richards 2015).

Labcorp Genetics (formerly Invitae), Labcorp
Classification: Likely pathogenic. Last evaluated: 2024-08-27. Review status: criteria provided, single submitter. Criteria: Invitae Variant Classification Sherloc (09022015). Collection method: clinical testing. Allele origin: germline.
Comment: This sequence change affects a donor splice site in intron 4 of the TBCK gene. It is expected to disrupt RNA splicing. Variants that disrupt the donor or acceptor splice site typically lead to a loss of protein function (PMID: 16199547), and loss-of-function variants in TBCK are known to be pathogenic (PMID: 27040692, 30103036). This variant is not present in population databases (gnomAD no frequency). This variant has not been reported in the literature in individuals affected with TBCK-related conditions. ClinVar contains an entry for this variant (Variation ID: 1033752). Algorithms developed to predict the effect of sequence changes on RNA splicing suggest that this variant may disrupt the consensus splice site. In summary, the currently available evidence indicates that the variant is pathogenic, but additional data are needed to prove that conclusively. Therefore, this variant has been classified as Likely Pathogenic.

Johns Hopkins Genomics, Johns Hopkins University
Classification: Pathogenic for Hypotonia, infantile, with psychomotor retardation and characteristic facies 3. Last evaluated: 2022-11-28. Review status: criteria provided, single submitter. Criteria: ACMG Guidelines, 2015. Collection method: clinical testing. Allele origin: germline.
Comment: This TBCK variant is absent from a large population dataset and has not been reported in the literature to our knowledge. It has been reported for an individual with IHPRF3 in ClinVar. This variant is predicted to disrupt the canonical splice donor site of exon 4. We did not identify a second, potentially pathogenic variant in this gene. We consider c.381+1G>A to be pathogenic

Baylor Genetics
Classification: Pathogenic for Hypotonia, infantile, with psychomotor retardation and characteristic facies 3. Last evaluated: 2018-11-28. Review status: criteria provided, single submitter. Criteria: ACMG Guidelines, 2015. Collection method: clinical testing. Allele origin: paternal. Affected: yes.
Comment: This variant was determined to be pathogenic according to ACMG Guidelines, 2015 [PMID:25741868].

Juno Genomics, Hangzhou Juno Genomics, Inc
Classification: Likely pathogenic for Hypotonia, infantile, with psychomotor retardation and characteristic facies 3. Review status: criteria provided, single submitter. Criteria: ACMG Guidelines, 2015. Collection method: clinical testing. Allele origin: germline.
Comment: Absent from controls (or at extremely low frequency if recessive) in Genome Aggregation Database.;Null variant in a gene where loss of function (LOF) is a known mechanism of disease.

Literature cited by the submitters: PubMed 16199547 (cited by Labcorp Genetics (formerly Invitae), Labcorp); PubMed 27040692 (cited by Labcorp Genetics (formerly Invitae), Labcorp and Johns Hopkins Genomics, Johns Hopkins University); PubMed 30103036 (cited by Labcorp Genetics (formerly Invitae), Labcorp); PubMed 27040691 (cited by Johns Hopkins Genomics, Johns Hopkins University).

NM_001163435.3(TBCK):c.381+1G>A

Gene: TBCK (TBC1 domain containing kinase; minus strand). Cytogenetic location: 4q24.
Variant type: single nucleotide variant.
Coding change: c.381+1G>A on transcript NM_001163435.3 (MANE Select); the canonical splice donor site of the intron after coding-DNA position 381, G replaced by A.
Molecular consequence: splice donor variant. On other transcripts: intron variant (1).
Genome position (GRCh38, 1-based): chr4:106,262,097, C>T on the plus strand (G>A on the coding strand, the complement: TBCK is on the minus strand). VCF-style: chr4-106262097-C-T. GRCh37 (hg19) VCF-style: chr4-107183254-C-T.
Other names: c.381+1G>A (NM_001163436.4, NM_001163437.3); c.267-10090G>A (NM_033115.5); c.-237+1G>A (NM_001290768.2).
Identifiers: ClinVar variation 1033752 (VCV001033752.9), dbSNP rs1762560983, ClinGen allele CA357970258.